The following is an entry in ClinVar:

ClinVar aggregate classification (germline): Uncertain significance. Review status: criteria provided, multiple submitters, no conflicts (2 of 4 stars). 6 submissions from 6 submitters: Uncertain significance (6). Last evaluated 2026-09-11.

Conditions:
Inborn genetic diseases. Identifiers: MedGen C0950123, MeSH D030342.
Combined oxidative phosphorylation defect type 14. Also called: Combined oxidative phosphorylation deficiency 14. Identifiers: Orphanet 319519, MedGen C4755312, MONDO:0013986, OMIM 614946.

Allele frequency attached by ClinVar (database versions not stated): gnomAD exomes 0.00007 and 0.00011; ExAC 0.00009; gnomAD 0.00015 and 0.00016; 1000 Genomes Project 0.00020; TOPMed 0.00021; 1000 Genomes Project 30x 0.00031; ESP Exome Variant Server 0.00038.
gnomAD v4.1: 178 of 1,614,052 alleles (0.011%); highest among the groups gnomAD compares: African/African-American, 0.017%; no homozygotes.

Submissions (6):

GeneDx
Classification: Uncertain significance. Last evaluated: 2026-09-11. Review status: criteria provided, single submitter. Criteria: GeneDx Variant Classification Process June 2021. Collection method: clinical testing. Allele origin: germline.
Comment: Reported in an individual with developmental delay and hypotonia in published literature (Kartvelishvili et al., 2017); Also known as R387Q due to alternative nomenclature; In silico analysis supports that this missense variant has a deleterious effect on protein structure/function; This variant is associated with the following publications: (PMID: 28419689, 37523899)

Labcorp Genetics (formerly Invitae), Labcorp
Classification: Uncertain significance for Combined oxidative phosphorylation defect type 14. Last evaluated: 2025-11-03. Review status: criteria provided, single submitter. Criteria: Invitae Variant Classification Sherloc (09022015). Collection method: clinical testing. Allele origin: germline.
Comment: This sequence change replaces arginine, which is basic and polar, with glutamine, which is neutral and polar, at codon 423 of the FARS2 protein (p.Arg423Gln). This variant is present in population databases (rs148921184, gnomAD 0.02%). This missense change has been observed in individual(s) with developmental delay, hypotonia, and speech delay (PMID: 28419689). ClinVar contains an entry for this variant (Variation ID: 214337). Invitae Evidence Modeling of protein sequence and biophysical properties (such as structural, functional, and spatial information, amino acid conservation, physicochemical variation, residue mobility, and thermodynamic stability) indicates that this missense variant is expected to disrupt FARS2 protein function with a positive predictive value of 95%. Experimental studies have shown that this missense change affects FARS2 function (PMID: 28419689). In summary, the available evidence is currently insufficient to determine the role of this variant in disease. Therefore, it has been classified as a Variant of Uncertain Significance.

Women's Health and Genetics/Laboratory Corporation of America, LabCorp
Classification: Uncertain significance. Last evaluated: 2023-06-28. Review status: criteria provided, single submitter. Criteria: LabCorp Variant Classification Summary - May 2015. Collection method: clinical testing. Allele origin: germline.
Comment: Variant summary: FARS2 c.1268G>A (p.Arg423Gln) results in a conservative amino acid change located in the Ferrodoxin-fold anticodon-binding domain (IPR005121) of the encoded protein sequence. Four of five in-silico tools predict a damaging effect of the variant on protein function. The variant allele was found at a frequency of 6.8e-05 in 251270 control chromosomes. c.1268G>A has been reported in the literature in individuals affected with developmental delay and hypotonia (Kartvelishvili_2017). This report does not provide unequivocal conclusions about association of the variant with FARS2-Related Disorders. To our knowledge, no experimental evidence demonstrating an impact on protein function has been reported. The following publication have been ascertained in the context of this evaluation (PMID: 28419689). Five submitters have cited clinical-significance assessments for this variant to ClinVar after 2014. All submitters classified the variant as uncertain significance. Based on the evidence outlined above, the variant was classified as uncertain significance.

Ambry Genetics
Classification: Uncertain significance for Inborn genetic diseases. Last evaluated: 2022-01-06. Review status: criteria provided, single submitter. Criteria: Ambry Variant Classification Scheme 2023. Collection method: clinical testing. Allele origin: germline.

Baylor Genetics
Classification: Uncertain significance for Combined oxidative phosphorylation defect type 14. Last evaluated: 2019-05-01. Review status: criteria provided, single submitter. Criteria: ACMG Guidelines, 2015. Collection method: clinical testing. Allele origin: unknown. Affected: yes.
Comment: This variant was determined to be of uncertain significance according to ACMG Guidelines, 2015 [PMID:25741868].

Wong Mito Lab, Molecular and Human Genetics, Baylor College of Medicine
Classification: Uncertain significance for Combined oxidative phosphorylation deficiency 14. Last evaluated: 2018-06-13. Review status: criteria provided, single submitter. Criteria: ACMG Guidelines, 2015. Collection method: clinical testing. Allele origin: germline.

Literature cited by the submitters: PubMed 28419689 (cited by Labcorp Genetics (formerly Invitae), Labcorp and Women's Health and Genetics/Laboratory Corporation of America, LabCorp).

NM_006567.5(FARS2):c.1268G>A (p.Arg423Gln)

Gene: FARS2 (phenylalanyl-tRNA synthetase 2, mitochondrial; plus strand). Cytogenetic location: 6p25.1.
Variant type: single nucleotide variant.
Coding change: c.1268G>A on transcript NM_006567.5 (MANE Select); coding-DNA position 1268, G replaced by A.
Protein change: p.Arg423Gln; replaces arginine 423 with glutamine.
Molecular consequence: missense variant.
Genome position (GRCh38, 1-based): chr6:5,771,341, G>A. VCF-style: chr6-5771341-G-A. GRCh37 (hg19) VCF-style: chr6-5771574-G-A.
Other names: p.R423Q:CGG>CAG; c.1268G>A, p.Arg423Gln (NM_001318872.2, NM_001374875.1, NM_001374876.1 and 4 more transcripts); c.1136G>A, p.Arg379Gln (NM_001375258.1); c.572G>A, p.Arg191Gln (NM_001375259.1, NM_001375260.1); short protein forms R423Q, R191Q, R379Q.
Identifiers: ClinVar variation 214337 (VCV000214337.13), dbSNP rs148921184, ClinGen allele CA322976.